The following is an entry in ClinVar:

ClinVar aggregate classification (germline): Likely benign (1 of 4 stars; one submission).

Submission:

CeGaT Center for Human Genetics Tuebingen
Classification: Likely benign. Last evaluated: 2022-09-01. Review status: criteria provided, single submitter. Criteria: CeGaT Center For Human Genetics Tuebingen Variant Classification Criteria Version 2. Collection method: clinical testing. Allele origin: germline. Affected: yes. Observed: 1 variant allele.
Comment: MYH9: PM2:Supporting, BP4, BP7

NM_002473.6(MYH9):c.3681G>T (p.Gly1227=)

Gene: MYH9 (myosin heavy chain 9; minus strand). Cytogenetic location: 22q12.3.
Variant type: single nucleotide variant.
Coding change: c.3681G>T on transcript NM_002473.6 (MANE Select); coding-DNA position 3681, G replaced by T.
Protein change: p.Gly1227=; no amino-acid change (glycine 1227 retained).
Molecular consequence: synonymous variant.
Genome position (GRCh38, 1-based): chr22:36,294,248, C>A on the plus strand (G>T on the coding strand, the complement: MYH9 is on the minus strand). VCF-style: chr22-36294248-C-A. GRCh37 (hg19) VCF-style: chr22-36690294-C-A.
Identifiers: ClinVar variation 2653103 (VCV002653103.24), dbSNP rs2517961449, ClinGen allele CA514353631.